The following is an entry in ClinVar:

NM_016252.4(BIRC6):c.6270G>A (p.Arg2090=)

Gene: BIRC6 (baculoviral IAP repeat containing 6; plus strand). Cytogenetic location: 2p22.3.
Variant type: single nucleotide variant.
Coding change: c.6270G>A on transcript NM_016252.4 (MANE Select); coding-DNA position 6270, G replaced by A.
Protein change: p.Arg2090=; no amino-acid change (arginine 2090 retained).
Molecular consequence: synonymous variant.
Genome position (GRCh38, 1-based): chr2:32,469,537, G>A. VCF-style: chr2-32469537-G-A. GRCh37 (hg19) VCF-style: chr2-32694605-G-A.
Other names: c.6240G>A, p.Arg2080= (NM_001378125.1).
Identifiers: ClinVar variation 3040959 (VCV003040959.2), dbSNP rs139069401, ClinGen allele CA1603826.
Genomic context (GRCh38, chr2:32,469,537, plus strand): 5'-AACCCCAAAGATACGGTTACATACTGGTCTTCTTCTTGTTCAACTGTGTGGTGGTGAAAG[G>A]TGGTGGGGTCAATTTCTTTCTAATGTCCTTCAGGAATTGTACAATTCGGAACAGCTTCTC-3'
Protein context (NP_057336.3, residues 2080-2100): LLLVQLCGGE[Arg2090=]WWGQFLSNVL

ClinVar aggregate classification (germline): Likely benign (0 of 4 stars; one submission).

Conditions:
BIRC6-related disorder. Also called: BIRC6-related condition.

Allele frequency attached by ClinVar (database versions not stated): ExAC 0.00015; ESP Exome Variant Server 0.00046; gnomAD 0.00059; 1000 Genomes Project 30x 0.00078; TOPMed 0.00078; 1000 Genomes Project 0.00080.
gnomAD v4.1: 160 of 1,613,898 alleles (0.0099%); highest among the groups gnomAD compares: African/African-American, 0.15%; no homozygotes.

Submission:

PreventionGenetics, part of Exact Sciences
Classification: Likely benign for BIRC6-related condition. Last evaluated: 2019-03-18. Review status: no assertion criteria provided. Collection method: clinical testing. Allele origin: germline.
Comment: This variant is classified as likely benign based on ACMG/AMP sequence variant interpretation guidelines (Richards et al. 2015 PMID: 25741868, with internal and published modifications).